The following is an entry in ClinVar:

NM_003803.4(MYOM1):c.1901-14T>C

Gene: MYOM1 (myomesin 1; minus strand). Cytogenetic location: 18p11.31.
Variant type: single nucleotide variant.
Coding change: c.1901-14T>C on transcript NM_003803.4 (MANE Select); 14 bases into the intron before coding-DNA position 1901, T replaced by C.
Molecular consequence: intron variant.
Genome position (GRCh38, 1-based): chr18:3,142,077, A>G on the plus strand (T>C on the coding strand, the complement: MYOM1 is on the minus strand). VCF-style: chr18-3142077-A-G. GRCh37 (hg19) VCF-style: chr18-3142075-A-G.
Other names: c.1901-14T>C (NM_019856.2).
Identifiers: ClinVar variation 227691 (VCV000227691.14), dbSNP rs200115559, ClinGen allele CA8874808.
Genomic context (GRCh38, chr18:3,142,077, plus strand): 5'-GGCCTCAGTGACAGAGAGGTCTGTCGGGGGGCCAGGCACAATACCCTCTGAAAAACAACA[A>G]GGAAAAATGAGAAGCACACATTCTGGGTAGCCCAGGATACTCAGAGAGCCAAAGACGCTG-3'

ClinVar aggregate classification (germline): Benign/Likely benign. Review status: criteria provided, multiple submitters, no conflicts (2 of 4 stars). 3 submissions from 3 submitters: Benign (1); Likely benign (2). Last evaluated 2026-01-27.

Conditions:
Hypertrophic cardiomyopathy. Also called: HYPERTROPHIC MYOCARDIOPATHY. Identifiers: Orphanet 217569, MedGen C0007194, MeSH D002312, MONDO:0005045, HP:0001639.

Allele frequency attached by ClinVar (database versions not stated): gnomAD exomes 0.00070; ESP Exome Variant Server 0.00231; gnomAD 0.00248 and 0.00262; 1000 Genomes Project 0.00319; ExAC 0.00085; TOPMed 0.00303; 1000 Genomes Project 30x 0.00312.
gnomAD v4.1: 795 of 1,612,210 alleles (0.049%); highest among the groups gnomAD compares: African/African-American, 0.9%; 4 homozygotes.

Submissions (3):

Labcorp Genetics (formerly Invitae), Labcorp
Classification: Benign for Hypertrophic cardiomyopathy. Last evaluated: 2026-01-27. Review status: criteria provided, single submitter. Criteria: Invitae Variant Classification Sherloc (09022015). Collection method: clinical testing. Allele origin: germline.

Laboratory for Molecular Medicine, Mass General Brigham Personalized Medicine
Classification: Likely benign. Last evaluated: 2015-08-21. Review status: criteria provided, single submitter. Criteria: LMM Criteria. Collection method: clinical testing. Allele origin: germline. Observed: 2 variant alleles.
Comment: c.1901-14T>C in intron 13 of MYOM1: This variant is not expected to have clinica l significance because it has been identified in 0.9% (88/9656) of African chrom osomes by the Exome Aggregation Consortium (ExAC ; dbSNP rs200115559).

Breakthrough Genomics
Classification: Likely benign. Review status: criteria provided, single submitter. Criteria: ACMG Guidelines, 2015. Collection method: not provided. Allele origin: germline. Inheritance: Unknown mechanism. Affected: yes.